The following is an entry in ClinVar:

NM_001557.4(CXCR2):c.693C>T (p.Tyr231=)

Gene: CXCR2 (C-X-C motif chemokine receptor 2; plus strand). Cytogenetic location: 2q35.
Variant type: single nucleotide variant.
Coding change: c.693C>T on transcript NM_001557.4 (MANE Select); coding-DNA position 693, C replaced by T.
Protein change: p.Tyr231=; no amino-acid change (tyrosine 231 retained).
Molecular consequence: synonymous variant.
Genome position (GRCh38, 1-based): chr2:218,135,494, C>T. VCF-style: chr2-218135494-C-T. GRCh37 (hg19) VCF-style: chr2-219000217-C-T.
Other names: p.Tyr231=; c.693C>T, p.Tyr231= (NM_001168298.2).
Identifiers: ClinVar variation 1594361 (VCV001594361.9), dbSNP rs138670528, ClinGen allele CA2101751.

ClinVar aggregate classification (germline): Likely benign. Review status: criteria provided, multiple submitters, no conflicts (2 of 4 stars). 2 submissions from 2 submitters: Likely benign (2). Last evaluated 2026-01-18.

Allele frequency attached by ClinVar (database versions not stated): gnomAD 0.00006 and 0.00007; ExAC 0.00011; gnomAD exomes 0.00012 and 0.00014; TOPMed 0.00012; ESP Exome Variant Server 0.00015.
gnomAD v4.1: 183 of 1,614,092 alleles (0.011%); highest among the groups gnomAD compares: Admixed American, 0.032%; no homozygotes.

Submissions (2):

Labcorp Genetics (formerly Invitae), Labcorp
Classification: Likely benign. Last evaluated: 2026-01-18. Review status: criteria provided, single submitter. Criteria: Invitae Variant Classification Sherloc (09022015). Collection method: clinical testing. Allele origin: germline.

Mayo Clinic Laboratories, Mayo Clinic
Classification: Likely benign. Last evaluated: 2025-09-18. Review status: criteria provided, single submitter. Criteria: ACMG Guidelines, 2015. Collection method: clinical testing. Allele origin: germline. Observed: 1 variant allele.
Comment: BP4, BP7